The following is an entry in ClinVar:

NM_020719.3(PRR12):c.2398del (p.Gln800fs)

Gene: PRR12 (proline rich 12; plus strand). Cytogenetic location: 19q13.33.
Variant type: Deletion.
Coding change: c.2398del on transcript NM_020719.3 (MANE Select); coding-DNA position 2398, one base deleted (C; older notation c.2398delC).
Protein change: p.Gln800fs; shifts the reading frame from glutamine 800.
Molecular consequence: frameshift variant.
Genome position (GRCh38, 1-based): chr19:49,596,733, C deleted; the last of 7 consecutive C bases (chr19:49,596,727-49,596,733); deleting any one gives the same sequence. VCF-style (leftmost placement, unchanged base first): chr19-49596726-TC-T. GRCh37 (hg19) VCF-style: chr19-50099983-TC-T.
Other names: short protein forms Q800fs.
Identifiers: ClinVar variation 3425844 (VCV003425844.1).

ClinVar aggregate classification (germline): Pathogenic (1 of 4 stars; one submission).

Conditions:
Inborn genetic diseases. Identifiers: MedGen C0950123, MeSH D030342.

Submission:

Ambry Genetics
Classification: Pathogenic for Inborn genetic diseases. Last evaluated: 2024-09-16. Review status: criteria provided, single submitter. Criteria: Ambry Variant Classification Scheme 2023. Collection method: clinical testing. Allele origin: germline.
Comment: The c.2398delC (p.Q800Sfs*100) alteration, located in exon 4 (coding exon 4) of the PRR12 gene, consists of a deletion of one nucleotide at position 2398, causing a translational frameshift with a predicted alternate stop codon after 100 amino acids. This alteration is expected to result in loss of function by premature protein truncation or nonsense-mediated mRNA decay. This variant was not reported in population-based cohorts in the Genome Aggregation Database (gnomAD). Based on the available evidence, this alteration is classified as pathogenic.